The following is an entry in ClinVar:

ClinVar aggregate classification (germline): Uncertain significance. Review status: criteria provided, multiple submitters, no conflicts (2 of 4 stars). 2 submissions from 2 submitters: Uncertain significance (2). Last evaluated 2024-09-19.

Conditions:
DICER1-related tumor predisposition. Also called: DICER1 syndrome; DICER1-related pleuropulmonary blastoma cancer predisposition syndrome. Identifiers: Orphanet 284343, MedGen C3839822, MONDO:0100216.
Hereditary cancer-predisposing syndrome. Also called: Hereditary neoplastic syndrome; Tumor predisposition; Neoplastic Syndromes, Hereditary; Hereditary Cancer Syndrome. Identifiers: Orphanet 140162, MedGen C0027672, MeSH D009386, MONDO:0015356.

Submissions (2):

Labcorp Genetics (formerly Invitae), Labcorp
Classification: Uncertain significance for DICER1-related tumor predisposition. Last evaluated: 2024-09-19. Review status: criteria provided, single submitter. Criteria: Invitae Variant Classification Sherloc (09022015). Collection method: clinical testing. Allele origin: germline.
Comment: This sequence change replaces serine, which is neutral and polar, with arginine, which is basic and polar, at codon 264 of the DICER1 protein (p.Ser264Arg). This variant is not present in population databases (gnomAD no frequency). This variant has not been reported in the literature in individuals affected with DICER1-related conditions. ClinVar contains an entry for this variant (Variation ID: 2451720). Invitae Evidence Modeling of protein sequence and biophysical properties (such as structural, functional, and spatial information, amino acid conservation, physicochemical variation, residue mobility, and thermodynamic stability) indicates that this missense variant is not expected to disrupt DICER1 protein function with a negative predictive value of 80%. In summary, the available evidence is currently insufficient to determine the role of this variant in disease. Therefore, it has been classified as a Variant of Uncertain Significance.

Ambry Genetics
Classification: Uncertain significance for Hereditary cancer-predisposing syndrome. Last evaluated: 2023-02-10. Review status: criteria provided, single submitter. Criteria: Ambry Variant Classification Scheme 2023. Collection method: clinical testing. Allele origin: germline.
Comment: The p.S264R variant (also known as c.792T>G), located in coding exon 6 of the DICER1 gene, results from a T to G substitution at nucleotide position 792. The serine at codon 264 is replaced by arginine, an amino acid with dissimilar properties. This amino acid position is conserved. In addition, the in silico prediction for this alteration is inconclusive. Since supporting evidence is limited at this time, the clinical significance of this alteration remains unclear.

NM_177438.3(DICER1):c.792T>G (p.Ser264Arg)

Gene: DICER1 (dicer 1, ribonuclease III; minus strand). Cytogenetic location: 14q32.13.
Variant type: single nucleotide variant.
Coding change: c.792T>G on transcript NM_177438.3 (MANE Select); coding-DNA position 792, T replaced by G.
Protein change: p.Ser264Arg; replaces serine 264 with arginine.
Molecular consequence: missense variant. On other transcripts: 5 prime UTR variant (1), non-coding transcript variant (6).
Genome position (GRCh38, 1-based): chr14:95,126,691, A>C on the plus strand (T>G on the coding strand, the complement: DICER1 is on the minus strand). VCF-style: chr14-95126691-A-C. GRCh37 (hg19) VCF-style: chr14-95593028-A-C.
Other names: c.792T>G, p.Ser264Arg (NM_001195573.1, NM_001271282.3, NM_001291628.2 and 15 more transcripts); c.510T>G, p.Ser170Arg (NM_001395686.1); c.387T>G, p.Ser129Arg (NM_001395687.1, NM_001395688.1, NM_001395689.1 and 3 more transcripts); c.225T>G, p.Ser75Arg (NM_001395691.1); c.-777T>G (NM_001395697.1); short protein forms S75R, S129R, S170R, S264R.
Identifiers: ClinVar variation 2451720 (VCV002451720.4), dbSNP rs2543230589, ClinGen allele CA390887750.